The following is an entry in ClinVar:

ClinVar aggregate classification (germline): Uncertain significance (1 of 4 stars; one submission).

Conditions:
Progressive myoclonic epilepsy type 7. Identifiers: Orphanet 435438, MedGen C4015420, MONDO:0014521, OMIM 616187.

Allele frequency attached by ClinVar (database versions not stated): TOPMed 0.00006.

Submission:

Labcorp Genetics (formerly Invitae), Labcorp
Classification: Uncertain significance for Progressive myoclonic epilepsy type 7. Last evaluated: 2024-05-15. Review status: criteria provided, single submitter. Criteria: Invitae Variant Classification Sherloc (09022015). Collection method: clinical testing. Allele origin: germline.
Comment: This sequence change replaces alanine, which is neutral and non-polar, with glutamic acid, which is acidic and polar, at codon 515 of the KCNC1 protein (p.Ala515Glu). The frequency data for this variant in the population databases is considered unreliable, as metrics indicate poor data quality at this position in the gnomAD database. This variant has not been reported in the literature in individuals affected with KCNC1-related conditions. ClinVar contains an entry for this variant (Variation ID: 1043667). Advanced modeling of protein sequence and biophysical properties (such as structural, functional, and spatial information, amino acid conservation, physicochemical variation, residue mobility, and thermodynamic stability) performed at Invitae indicates that this missense variant is expected to disrupt KCNC1 protein function with a positive predictive value of 95%. In summary, the available evidence is currently insufficient to determine the role of this variant in disease. Therefore, it has been classified as a Variant of Uncertain Significance.

NM_001112741.2(KCNC1):c.1544C>A (p.Ala515Glu)

Gene: KCNC1 (potassium voltage-gated channel subfamily C member 1; plus strand). Cytogenetic location: 11p15.1.
Variant type: single nucleotide variant.
Coding change: c.1544C>A on transcript NM_001112741.2 (MANE Select); coding-DNA position 1544, C replaced by A.
Protein change: p.Ala515Glu; replaces alanine 515 with glutamic acid.
Molecular consequence: missense variant.
Genome position (GRCh38, 1-based): chr11:17,779,495, C>A. VCF-style: chr11-17779495-C-A. GRCh37 (hg19) VCF-style: chr11-17801042-C-A.
Other names: short protein forms A515E.
Identifiers: ClinVar variation 1043667 (VCV001043667.9), dbSNP rs917512311, ClinGen allele CA218475236.